The following is an entry in ClinVar:

NM_016038.4(SBDS):c.294A>C (p.Lys98Asn)

Gene: SBDS (SBDS ribosome maturation factor; minus strand). Cytogenetic location: 7q11.21.
Variant type: single nucleotide variant.
Coding change: c.294A>C on transcript NM_016038.4 (MANE Select); coding-DNA position 294, A replaced by C.
Protein change: p.Lys98Asn; replaces lysine 98 with asparagine.
Molecular consequence: missense variant.
Genome position (GRCh38, 1-based): chr7:66,993,382, T>G on the plus strand (A>C on the coding strand, the complement: SBDS is on the minus strand). VCF-style: chr7-66993382-T-G. GRCh37 (hg19) VCF-style: chr7-66458369-T-G.
Other names: short protein forms K98N.
Identifiers: ClinVar variation 4630251 (VCV004630251.1).
Genomic context (GRCh38, chr7:66,993,382, plus strand): 5'-TTTGTCTGCCACAATAGTTGCAATGTCCCTAAACATCTGCTCCAGTTGTGTGTGTCTTTC[T>G]TTATCTGATACTTGAACTTCTCCTTTAGTCAAAATCTAAAAAAATGCCAACACATTTAAG-3'
Protein context (NP_057122.2, residues 88-108): LTKGEVQVSD[Lys98Asn]ERHTQLEQMF

ClinVar aggregate classification (germline): Uncertain significance (1 of 4 stars; one submission).

Conditions:
Inborn genetic diseases. Identifiers: MedGen C0950123, MeSH D030342.

Submission:

Ambry Genetics
Classification: Uncertain significance for Inborn genetic diseases. Last evaluated: 2025-12-10. Review status: criteria provided, single submitter. Criteria: Ambry Variant Classification Scheme 2023. Collection method: clinical testing. Allele origin: germline.
Comment: The p.K98N variant (also known as c.294A>C), located in coding exon 3 of the SBDS gene, results from an A to C substitution at nucleotide position 294. The lysine at codon 98 is replaced by asparagine, an amino acid with similar properties. This amino acid position is conserved. In addition, the in silico prediction for this alteration is inconclusive. Based on the available evidence, the clinical significance of this variant remains unclear.